The following is an entry in ClinVar:

ClinVar aggregate classification (germline): Benign/Likely benign. Review status: criteria provided, multiple submitters, no conflicts (2 of 4 stars). 3 submissions from 3 submitters: Benign (1); Likely benign (2). Last evaluated 2025-02-05.

Conditions:
POLD1-related polyposis and colorectal cancer syndrome (CRCS10). Also called: COLORECTAL CANCER, SUSCEPTIBILITY TO, ON CHROMOSOME 19q; Colorectal cancer 10; Colorectal cancer, susceptibility to, 10. Identifiers: Orphanet 220460, MedGen C2675481, MONDO:0012953, OMIM 612591.
Hereditary cancer-predisposing syndrome. Also called: Neoplastic Syndromes, Hereditary; Tumor predisposition; Hereditary neoplastic syndrome; Hereditary Cancer Syndrome. Identifiers: Orphanet 140162, MedGen C0027672, MeSH D009386, MONDO:0015356.

Allele frequency attached by ClinVar (database versions not stated): gnomAD exomes below 0.00001.
gnomAD v4.1: 2 of 1,614,096 alleles (0.00012%); highest among the groups gnomAD compares: Non-Finnish European, 0.00017%; no homozygotes.

Submissions (3):

Myriad Genetics, Inc.
Classification: Benign for POLD1-related polyposis and colorectal cancer syndrome. Last evaluated: 2025-02-05. Review status: criteria provided, single submitter. Criteria: Myriad Autosomal Dominant, Autosomal Recessive and X-Linked Classification Criteria (2023). Collection method: clinical testing. Allele origin: unknown.
Comment: This variant is considered benign. This variant is a silent/synonymous amino acid change and it is not expected to impact splicing.

Blueprint Genetics
Classification: Likely benign. Last evaluated: 2024-05-03. Review status: criteria provided, single submitter. Criteria: ACMG Guidelines, 2015. Collection method: clinical testing. Allele origin: germline.

Ambry Genetics
Classification: Likely benign for Hereditary cancer-predisposing syndrome. Last evaluated: 2019-10-05. Review status: criteria provided, single submitter. Criteria: Ambry Variant Classification Scheme 2023. Collection method: clinical testing. Allele origin: germline.

NM_002691.4(POLD1):c.1188C>T (p.Tyr396=)

Gene: POLD1 (DNA polymerase delta 1, catalytic subunit; plus strand). Cytogenetic location: 19q13.33.
Variant type: single nucleotide variant.
Coding change: c.1188C>T on transcript NM_002691.4 (MANE Select); coding-DNA position 1188, C replaced by T.
Protein change: p.Tyr396=; no amino-acid change (tyrosine 396 retained).
Molecular consequence: synonymous variant. On other transcripts: non-coding transcript variant (1).
Genome position (GRCh38, 1-based): chr19:50,403,543, C>T. VCF-style: chr19-50403543-C-T. GRCh37 (hg19) VCF-style: chr19-50906800-C-T.
Other names: c.1188C>T, p.Tyr396= (NM_001256849.1, NM_001308632.1).
Identifiers: ClinVar variation 1743980 (VCV001743980.4), dbSNP rs2513977162, ClinGen allele CA508183101.